The following is an entry in ClinVar:

ClinVar aggregate classification (germline): Uncertain significance (1 of 4 stars; one submission).

Allele frequency attached by ClinVar (database versions not stated): TOPMed below 0.00001; gnomAD 0.00001; gnomAD exomes 0.00001; ExAC 0.00002.
gnomAD v4.1: 14 of 1,612,636 alleles (0.00087%); highest among the groups gnomAD compares: East Asian, 0.011%; no homozygotes.

Submission:

GeneDx
Classification: Uncertain significance. Last evaluated: 2022-10-31. Review status: criteria provided, single submitter. Criteria: GeneDx Variant Classification Process June 2021. Collection method: clinical testing. Allele origin: germline. Affected: yes.
Comment: In silico analysis supports that this missense variant has a deleterious effect on protein structure/function; This variant is associated with the following publications: (PMID: 32758178)

NM_001126108.2(SLC12A3):c.1666C>T (p.Pro556Ser)

Gene: SLC12A3 (solute carrier family 12 member 3; plus strand). Cytogenetic location: 16q13.
Variant type: single nucleotide variant.
Coding change: c.1666C>T on transcript NM_001126108.2 (MANE Select); coding-DNA position 1666, C replaced by T.
Protein change: p.Pro556Ser; replaces proline 556 with serine.
Molecular consequence: missense variant.
Genome position (GRCh38, 1-based): chr16:56,882,494, C>T. VCF-style: chr16-56882494-C-T. GRCh37 (hg19) VCF-style: chr16-56916406-C-T.
Other names: c.1666C>T, p.Pro556Ser (NM_000339.3); c.1663C>T, p.Pro555Ser (NM_001126107.2, NM_001410896.1); short protein forms P555S, P556S.
Identifiers: ClinVar variation 2500359 (VCV002500359.1), dbSNP rs755819160, ClinGen allele CA8069556.